The following is an entry in ClinVar:

ClinVar aggregate classification (germline): Uncertain significance (1 of 4 stars; one submission).

Allele frequency attached by ClinVar (database versions not stated): gnomAD exomes below 0.00001 and 0.00001; gnomAD 0.00001.
gnomAD v4.1: 4 of 1,602,046 alleles (0.00025%); highest among the groups gnomAD compares: East Asian, 0.0067%; no homozygotes.

Submission:

Labcorp Genetics (formerly Invitae), Labcorp
Classification: Uncertain significance. Last evaluated: 2022-03-27. Review status: criteria provided, single submitter. Criteria: Invitae Variant Classification Sherloc (09022015). Collection method: clinical testing. Allele origin: germline.
Comment: In summary, the available evidence is currently insufficient to determine the role of this variant in disease. Therefore, it has been classified as a Variant of Uncertain Significance. Algorithms developed to predict the effect of missense changes on protein structure and function (SIFT, PolyPhen-2, Align-GVGD) all suggest that this variant is likely to be tolerated. This variant has not been reported in the literature in individuals affected with SCO2-related conditions. This variant is present in population databases (no rsID available, gnomAD 0.006%). This sequence change replaces proline, which is neutral and non-polar, with serine, which is neutral and polar, at codon 19 of the SCO2 protein (p.Pro19Ser).

NM_005138.3(SCO2):c.55C>T (p.Pro19Ser)

Genes: NCAPH2 (non-SMC condensin II complex subunit H2; plus strand), SCO2 (synthesis of cytochrome C oxidase 2; minus strand). Cytogenetic location: 22q13.33.
Variant type: single nucleotide variant.
Coding change: c.55C>T on transcript NM_005138.3 (MANE Select); coding-DNA position 55, C replaced by T.
Protein change: p.Pro19Ser; replaces proline 19 with serine.
Molecular consequence: missense variant. On other transcripts: 3 prime UTR variant (2).
Genome position (GRCh38, 1-based): chr22:50,524,357, G>A on the plus strand (C>T on the coding strand, the complement: SCO2 is on the minus strand). VCF-style: chr22-50524357-G-A. GRCh37 (hg19) VCF-style: chr22-50962786-G-A.
Other names: c.*982G>A (NM_001185011.2, NM_152299.4); c.55C>T, p.Pro19Ser (NM_001169109.2, NM_001169110.1, NM_001169111.2); short protein forms P19S.
Identifiers: ClinVar variation 1495767 (VCV001495767.6), dbSNP rs1240764131, ClinGen allele CA412194548.